The following is an entry in ClinVar:

ClinVar aggregate classification (germline): Uncertain significance (1 of 4 stars; one submission).

Submission:

GeneDx
Classification: Uncertain significance. Last evaluated: 2026-01-30. Review status: criteria provided, single submitter. Criteria: GeneDx Variant Classification Process June 2021. Collection method: clinical testing. Allele origin: germline.
Comment: Not observed at significant frequency in large population cohorts (gnomAD); In silico analysis suggests that this missense variant does not alter protein structure/function; Has not been previously published as pathogenic or benign to our knowledge

NM_002016.2(FLG):c.668T>A (p.Met223Lys)

Genes: CCDST (cervical cancer associated DHX9 suppressive transcript; plus strand), FLG (filaggrin; minus strand). Cytogenetic location: 1q21.3.
Variant type: single nucleotide variant.
Coding change: c.668T>A on transcript NM_002016.2 (MANE Select); coding-DNA position 668, T replaced by A.
Protein change: p.Met223Lys; replaces methionine 223 with lysine.
Molecular consequence: missense variant.
Genome position (GRCh38, 1-based): chr1:152,314,218, A>T on the plus strand (T>A on the coding strand, the complement: FLG is on the minus strand). VCF-style: chr1-152314218-A-T. GRCh37 (hg19) VCF-style: chr1-152286694-A-T.
Other names: short protein forms M223K.
Identifiers: ClinVar variation 4975712 (VCV004975712.1).